The following is an entry in ClinVar:

ClinVar aggregate classification (germline): Likely pathogenic (0 of 4 stars; one submission).

Conditions:
Congenital bile acid synthesis defect 3. Identifiers: Orphanet 79302, MedGen C3151147, MONDO:0013439, OMIM 613812.

Submission:

Solve-RD Consortium
Classification: Likely pathogenic for Congenital bile acid synthesis defect 3. Last evaluated: 2022-06-01. Review status: no assertion criteria provided. Collection method: provider interpretation. Allele origin: inherited. Affected: yes.
Comment: Variant confirmed as disease-causing by referring clinical team

Variant identified during reanalysis of unsolved cases by the Solve-RD project. The Solve-RD project has received funding from the European Union’s Horizon 2020 research and innovation programme under grant agreement No 779257.

Literature cited by the submitters: PubMed 39825153.

NM_004820.5(CYP7B1):c.888C>G (p.Asn296Lys)

Gene: CYP7B1 (cytochrome P450 family 7 subfamily B member 1; minus strand). Cytogenetic location: 8q12.3.
Variant type: single nucleotide variant.
Coding change: c.888C>G on transcript NM_004820.5 (MANE Select); coding-DNA position 888, C replaced by G.
Protein change: p.Asn296Lys; replaces asparagine 296 with lysine.
Molecular consequence: missense variant.
Genome position (GRCh38, 1-based): chr8:64,615,195, G>C on the plus strand (C>G on the coding strand, the complement: CYP7B1 is on the minus strand). VCF-style: chr8-64615195-G-C. GRCh37 (hg19) VCF-style: chr8-65527752-G-C.
Other names: c.888C>G, p.Asn296Lys (NM_001324112.2); short protein forms N296K.
Identifiers: ClinVar variation 3256741 (VCV003256741.1).